The following is an entry in ClinVar:

NM_002103.5(GYS1):c.1176G>A (p.Thr392=)

Gene: GYS1 (glycogen synthase 1; minus strand). Cytogenetic location: 19q13.33.
Variant type: single nucleotide variant.
Coding change: c.1176G>A on transcript NM_002103.5 (MANE Select); coding-DNA position 1176, G replaced by A.
Protein change: p.Thr392=; no amino-acid change (threonine 392 retained).
Molecular consequence: synonymous variant. On other transcripts: non-coding transcript variant (1).
Genome position (GRCh38, 1-based): chr19:48,978,151, C>T on the plus strand (G>A on the coding strand, the complement: GYS1 is on the minus strand). VCF-style: chr19-48978151-C-T. GRCh37 (hg19) VCF-style: chr19-49481408-C-T.
Other names: c.984G>A, p.Thr328= (NM_001161587.2).
Identifiers: ClinVar variation 382052 (VCV000382052.8), dbSNP rs151212573, ClinGen allele CA9563057.

ClinVar aggregate classification (germline): Likely benign. Review status: criteria provided, multiple submitters, no conflicts (2 of 4 stars). 2 submissions from 2 submitters: Likely benign (2). Last evaluated 2021-12-01.

Conditions:
Glycogen storage disease due to muscle and heart glycogen synthase deficiency. Also called: GSD 0b; MUSCLE GLYCOGEN SYNTHASE DEFICIENCY. Identifiers: Orphanet 137625, MedGen C1969054, MONDO:0012693, OMIM 611556.

Allele frequency attached by ClinVar (database versions not stated): gnomAD 0.00001; TOPMed 0.00002; ExAC 0.00003; ESP Exome Variant Server 0.00008.
gnomAD v4.1: 20 of 1,613,646 alleles (0.0012%); highest among the groups gnomAD compares: Middle Eastern, 0.016%; no homozygotes.

Submissions (2):

Labcorp Genetics (formerly Invitae), Labcorp
Classification: Likely benign for Glycogen storage disease due to muscle and heart glycogen synthase deficiency. Last evaluated: 2021-12-01. Review status: criteria provided, single submitter. Criteria: Invitae Variant Classification Sherloc (09022015). Collection method: clinical testing. Allele origin: germline.

GeneDx
Classification: Likely benign. Last evaluated: 2016-02-29. Review status: criteria provided, single submitter. Criteria: GeneDx Variant Classification (06012015). Collection method: clinical testing. Allele origin: germline. Affected: yes.
Comment: This variant is considered likely benign or benign based on one or more of the following criteria: it is a conservative change, it occurs at a poorly conserved position in the protein, it is predicted to be benign by multiple in silico algorithms, and/or has population frequency not consistent with disease.